The following is an entry in ClinVar:

ClinVar aggregate classification (germline): Benign. Review status: criteria provided, multiple submitters, no conflicts (2 of 4 stars). 3 submissions from 3 submitters: Benign (2). 1 of the submissions does not count toward it. Last evaluated 2018-07-16.

Conditions:
CAPN12-related disorder. Also called: CAPN12-related condition.

Allele frequency attached by ClinVar (database versions not stated): gnomAD exomes 0.00017 and 0.00039; ExAC 0.00050; gnomAD 0.00146 and 0.00155; TOPMed 0.00191; ESP Exome Variant Server 0.00208; 1000 Genomes Project 0.00220; 1000 Genomes Project 30x 0.00312.
gnomAD v4.1: 497 of 1,614,212 alleles (0.031%); highest among the groups gnomAD compares: African/African-American, 0.57%; 1 homozygote.

Submissions (3):

Labcorp Genetics (formerly Invitae), Labcorp
Classification: Benign. Last evaluated: 2018-07-16. Review status: criteria provided, single submitter. Criteria: Invitae Variant Classification Sherloc (09022015). Collection method: clinical testing. Allele origin: germline.

Breakthrough Genomics
Classification: Benign. Review status: criteria provided, single submitter. Criteria: ACMG Guidelines, 2015. Collection method: not provided. Allele origin: germline. Inheritance: Unknown mechanism. Affected: yes.

PreventionGenetics, part of Exact Sciences
Classification: Likely benign for CAPN12-related condition. Last evaluated: 2019-06-14. Review status: no assertion criteria provided. Collection method: clinical testing. Allele origin: germline. Not counted in ClinVar's aggregate classification.
Comment: This variant is classified as likely benign based on ACMG/AMP sequence variant interpretation guidelines (Richards et al. 2015 PMID: 25741868, with internal and published modifications).

NM_144691.4(CAPN12):c.132C>T (p.Ile44=)

Gene: CAPN12 (calpain 12; minus strand). Cytogenetic location: 19q13.2.
Variant type: single nucleotide variant.
Coding change: c.132C>T on transcript NM_144691.4 (MANE Select); coding-DNA position 132, C replaced by T.
Protein change: p.Ile44=; no amino-acid change (isoleucine 44 retained).
Molecular consequence: synonymous variant.
Genome position (GRCh38, 1-based): chr19:38,744,034, G>A on the plus strand (C>T on the coding strand, the complement: CAPN12 is on the minus strand). VCF-style: chr19-38744034-G-A. GRCh37 (hg19) VCF-style: chr19-39234674-G-A.
Identifiers: ClinVar variation 732599 (VCV000732599.6), dbSNP rs111831826, ClinGen allele CA9419338.